The following is an entry in ClinVar:

ClinVar aggregate classification (germline): Uncertain significance (1 of 4 stars; one submission).

Conditions:
Glycogen storage disease IXa1. Also called: LIVER GLYCOGENOSIS, X-LINKED, TYPE I; GLYCOGEN STORAGE DISEASE VIII; GSD VIII; Glycogen storage disease 8. Identifiers: Orphanet 264580, MedGen C3694531, MONDO:0010598, OMIM 306000.

Submission:

Labcorp Genetics (formerly Invitae), Labcorp
Classification: Uncertain significance for Glycogen storage disease IXa1. Last evaluated: 2022-09-06. Review status: criteria provided, single submitter. Criteria: Invitae Variant Classification Sherloc (09022015). Collection method: clinical testing. Allele origin: germline.
Comment: Algorithms developed to predict the effect of missense changes on protein structure and function are either unavailable or do not agree on the potential impact of this missense change (SIFT: "Deleterious"; PolyPhen-2: "Possibly Damaging"; Align-GVGD: "Class C15"). In summary, the available evidence is currently insufficient to determine the role of this variant in disease. Therefore, it has been classified as a Variant of Uncertain Significance. ClinVar contains an entry for this variant (Variation ID: 1383047). This variant has not been reported in the literature in individuals affected with PHKA2-related conditions. This variant is not present in population databases (gnomAD no frequency). This sequence change replaces serine, which is neutral and polar, with arginine, which is basic and polar, at codon 3 of the PHKA2 protein (p.Ser3Arg).

NM_000292.3(PHKA2):c.7A>C (p.Ser3Arg)

Gene: PHKA2 (phosphorylase kinase regulatory subunit alpha 2; minus strand). Cytogenetic location: Xp22.13.
Variant type: single nucleotide variant.
Coding change: c.7A>C on transcript NM_000292.3 (MANE Select); coding-DNA position 7, A replaced by C.
Protein change: p.Ser3Arg; replaces serine 3 with arginine.
Molecular consequence: missense variant.
Genome position (GRCh38, 1-based): chrX:18,983,926, T>G on the plus strand (A>C on the coding strand, the complement: PHKA2 is on the minus strand). VCF-style: chrX-18983926-T-G. GRCh37 (hg19) VCF-style: chrX-19002044-T-G.
Other names: short protein forms S3R.
Identifiers: ClinVar variation 1383047 (VCV001383047.6), dbSNP rs2049222511, ClinGen allele CA412382322.